The following is an entry in ClinVar:

NM_001346249.2(RALGAPA1):c.4745A>G (p.Asn1582Ser)

Gene: RALGAPA1 (Ral GTPase activating protein catalytic subunit alpha 1; minus strand). Cytogenetic location: 14q13.2.
Variant type: single nucleotide variant.
Coding change: c.4745A>G on transcript NM_001346249.2 (MANE Select); coding-DNA position 4745, A replaced by G.
Protein change: p.Asn1582Ser; replaces asparagine 1582 with serine.
Molecular consequence: missense variant.
Genome position (GRCh38, 1-based): chr14:35,674,589, T>C on the plus strand (A>G on the coding strand, the complement: RALGAPA1 is on the minus strand). VCF-style: chr14-35674589-T-C. GRCh37 (hg19) VCF-style: chr14-36143795-T-C.
Other names: c.3266A>G, p.Asn1089Ser (NM_001283043.3); c.3368A>G, p.Asn1123Ser (NM_001283044.3, NM_001346245.2, NM_001346247.2); c.4604A>G, p.Asn1535Ser (NM_001330075.3, NM_001346248.2); c.3227A>G, p.Asn1076Ser (NM_001346243.2, NM_001346246.2, NM_014990.3 and 1 more transcripts); short protein forms N1535S, N1582S, N1076S, N1089S, N1123S.
Identifiers: ClinVar variation 691798 (VCV000691798.7), dbSNP rs1595085511, ClinGen allele CA389458097.

ClinVar aggregate classification (germline): Pathogenic (0 of 4 stars; one submission).

Conditions:
Neurodevelopmental disorder with hypotonia, neonatal respiratory insufficiency, and thermodysregulation. Identifiers: MedGen C5394091, MONDO:0032921, OMIM 618797.

Submissions (2):

OMIM
Classification: Pathogenic for NEURODEVELOPMENTAL DISORDER WITH HYPOTONIA, NEONATAL RESPIRATORY INSUFFICIENCY, AND THERMODYSREGULATION. Last evaluated: 2020-04-02. Review status: no assertion criteria provided. Collection method: literature only. Allele origin: germline.

Institute of Human Genetics Munich, TUM University Hospital
No classification provided (evidence only). Condition: Generalized hypotonia; Feeding difficulties; Infantile spasms; Respiratory distress. Last evaluated: 2019-09-24. Review status: no classification provided. Criteria: Classification criteria August 2017. Collection method: in vitro. Allele origin: not applicable. Inheritance: Autosomal recessive inheritance. Functional consequence: Decreased function. Not counted in ClinVar's aggregate classification.
Comment: "Pathogenic" was previously submitted as the classification for the variant. However, the classification appeared to be based only on an observation of functional data so it was converted to no classification on 2025-07-30.

Literature cited by the submitters: PubMed 32004447 (cited by OMIM).